The following is an entry in ClinVar:

NM_000059.4(BRCA2):c.341A>C (p.His114Pro)

Gene: BRCA2 (BRCA2 DNA repair associated; plus strand). Cytogenetic location: 13q13.1.
Variant type: single nucleotide variant.
Coding change: c.341A>C on transcript NM_000059.4 (MANE Select); coding-DNA position 341, A replaced by C.
Protein change: p.His114Pro; replaces histidine 114 with proline.
Molecular consequence: missense variant.
Genome position (GRCh38, 1-based): chr13:32,325,100, A>C. VCF-style: chr13-32325100-A-C. GRCh37 (hg19) VCF-style: chr13-32899237-A-C.
Other names: short protein forms H114P.
Identifiers: ClinVar variation 823753 (VCV000823753.20), dbSNP rs80358586, ClinGen allele CA387756571.
Genomic context (GRCh38, chr13:32,325,100, plus strand): 5'-TATATACATTCTCACTGAATTATTGTACTGTTTCAGGAAGGAATGTTCCCAATAGTAGAC[A>C]TAAAAGTCTTCGCACAGTGAAAACTAAAATGGATCAAGCAGATGATGTTTCCTGTCCACT-3'
Protein context (NP_000050.3, residues 104-124): DLGRNVPNSR[His114Pro]KSLRTVKTKM

ClinVar aggregate classification (germline): Uncertain significance. Review status: criteria provided, multiple submitters, no conflicts (2 of 4 stars). 4 submissions from 4 submitters: Uncertain significance (4). Last evaluated 2025-06-23.

Conditions:
Hereditary cancer-predisposing syndrome. Also called: Neoplastic Syndromes, Hereditary; Tumor predisposition; Hereditary neoplastic syndrome; Hereditary Cancer Syndrome. Identifiers: Orphanet 140162, MedGen C0027672, MeSH D009386, MONDO:0015356.
Hereditary breast ovarian cancer syndrome. Also called: Hereditary breast and ovarian cancer syndrome; Hereditary breast and ovarian cancer; Hereditary breast and ovarian cancer syndrome (HBOC); Breast and ovarian cancer; Hereditary breast and/or ovarian cancer syndrome; BRCA1- and BRCA2-Associated Hereditary Breast and Ovarian Cancer. Identifiers: Orphanet 145, MedGen C0677776, MeSH D061325, MONDO:0003582. Disease mechanism: loss of function.

Allele frequency attached by ClinVar (database versions not stated): TOPMed 0.00002.
gnomAD v4.1: 1 of 1,600,786 alleles (0.000062%); highest among the groups gnomAD compares: African/African-American, 0.0013%; no homozygotes.

Submissions (4):

Labcorp Genetics (formerly Invitae), Labcorp
Classification: Uncertain significance for Hereditary breast ovarian cancer syndrome. Last evaluated: 2025-06-23. Review status: criteria provided, single submitter. Criteria: Invitae Variant Classification Sherloc (09022015). Collection method: clinical testing. Allele origin: germline.
Comment: This sequence change replaces histidine, which is basic and polar, with proline, which is neutral and non-polar, at codon 114 of the BRCA2 protein (p.His114Pro). This variant is not present in population databases (gnomAD no frequency). This variant has not been reported in the literature in individuals affected with BRCA2-related conditions. ClinVar contains an entry for this variant (Variation ID: 823753). Invitae Evidence Modeling of protein sequence and biophysical properties (such as structural, functional, and spatial information, amino acid conservation, physicochemical variation, residue mobility, and thermodynamic stability) indicates that this missense variant is not expected to disrupt BRCA2 protein function with a negative predictive value of 95%. In summary, the available evidence is currently insufficient to determine the role of this variant in disease. Therefore, it has been classified as a Variant of Uncertain Significance.

Ambry Genetics
Classification: Uncertain significance for Hereditary cancer-predisposing syndrome. Last evaluated: 2023-03-19. Review status: criteria provided, single submitter. Criteria: Ambry Variant Classification Scheme 2023. Collection method: clinical testing. Allele origin: germline.
Comment: The p.H114P variant (also known as c.341A>C), located in coding exon 3 of the BRCA2 gene, results from an A to C substitution at nucleotide position 341. The histidine at codon 114 is replaced by proline, an amino acid with similar properties. This amino acid position is not well conserved in available vertebrate species. In addition, this alteration is predicted to be tolerated by in silico analysis. Since supporting evidence is limited at this time, the clinical significance of this alteration remains unclear.

Women's Health and Genetics/Laboratory Corporation of America, LabCorp
Classification: Uncertain significance. Last evaluated: 2021-06-28. Review status: criteria provided, single submitter. Criteria: LabCorp Variant Classification Summary - May 2015. Collection method: clinical testing. Allele origin: germline.
Comment: Variant summary: BRCA2 c.341A>C (p.His114Pro) results in a non-conservative amino acid change in the encoded protein sequence. Three of four in-silico tools predict a benign effect of the variant on protein function. The variant was absent in 251014 control chromosomes. The available data on variant occurrences in the general population are insufficient to allow any conclusion about variant significance. To our knowledge, no occurrence of c.341A>C in individuals affected with Hereditary Breast And Ovarian Cancer Syndrome and no experimental evidence demonstrating its impact on protein function have been reported. Three clinical diagnostic laboratories have submitted clinical-significance assessments for this variant to ClinVar after 2014 without evidence for independent evaluation. All laboratories classified the variant as uncertain significance. Based on the evidence outlined above, the variant was classified as uncertain significance.

Quest Diagnostics Nichols Institute San Juan Capistrano
Classification: Uncertain significance. Last evaluated: 2019-09-22. Review status: criteria provided, single submitter. Criteria: Quest Diagnostics criteria. Collection method: clinical testing. Allele origin: unknown.